The following is an entry in ClinVar:

ClinVar aggregate classification (germline): Uncertain significance (1 of 4 stars; one submission).

Allele frequency attached by ClinVar (database versions not stated): ExAC 0.00003.
gnomAD v4.1: 24 of 1,588,600 alleles (0.0015%); highest among the groups gnomAD compares: Non-Finnish European, 0.0019%; no homozygotes.

Submission:

Labcorp Genetics (formerly Invitae), Labcorp
Classification: Uncertain significance. Last evaluated: 2025-03-24. Review status: criteria provided, single submitter. Criteria: Invitae Variant Classification Sherloc (09022015). Collection method: clinical testing. Allele origin: germline.
Comment: This sequence change replaces alanine, which is neutral and non-polar, with threonine, which is neutral and polar, at codon 8 of the LEMD3 protein (p.Ala8Thr). The frequency data for this variant in the population databases is considered unreliable, as metrics indicate poor data quality at this position in the gnomAD database. This variant has not been reported in the literature in individuals affected with LEMD3-related conditions. ClinVar contains an entry for this variant (Variation ID: 2717195). An algorithm developed to predict the effect of missense changes on protein structure and function (PolyPhen-2) suggests that this variant is likely to be disruptive. In summary, the available evidence is currently insufficient to determine the role of this variant in disease. Therefore, it has been classified as a Variant of Uncertain Significance.

NM_014319.5(LEMD3):c.22G>A (p.Ala8Thr)

Gene: LEMD3 (LEM domain containing 3; plus strand). Cytogenetic location: 12q14.3.
Variant type: single nucleotide variant.
Coding change: c.22G>A on transcript NM_014319.5 (MANE Select); coding-DNA position 22, G replaced by A.
Protein change: p.Ala8Thr; replaces alanine 8 with threonine.
Molecular consequence: missense variant.
Genome position (GRCh38, 1-based): chr12:65,169,618, G>A. VCF-style: chr12-65169618-G-A. GRCh37 (hg19) VCF-style: chr12-65563398-G-A.
Other names: c.22G>A, p.Ala8Thr (NM_001167614.2); short protein forms A8T.
Identifiers: ClinVar variation 2717195 (VCV002717195.3), dbSNP rs756414909, ClinGen allele CA6670654.
Genomic context (GRCh38, chr12:65,169,618, plus strand): 5'-TCCGGTAGCGCGGAGCTTGTAAAACACCCTGGAGAGAAAATGGCGGCGGCAGCAGCTTCG[G>A]CGCCTCAGCAGCTCTCGGATGAGGAGCTTTTCTCTCAGCTCCGCCGTTACGGCCTGTCTC-3'
Protein context (NP_055134.2, residues 1-18): MAAAAAS[Ala8Thr]PQQLSDEELF